The following is an entry in ClinVar:

NM_000383.4(AIRE):c.713A>C (p.Asp238Ala)

Gene: AIRE (autoimmune regulator; plus strand). Cytogenetic location: 21q22.3.
Variant type: single nucleotide variant.
Coding change: c.713A>C on transcript NM_000383.4 (MANE Select); coding-DNA position 713, A replaced by C.
Protein change: p.Asp238Ala; replaces aspartic acid 238 with alanine.
Molecular consequence: missense variant.
Genome position (GRCh38, 1-based): chr21:44,289,717, A>C. VCF-style: chr21-44289717-A-C. GRCh37 (hg19) VCF-style: chr21-45709600-A-C.
Other names: short protein forms D238A.
Identifiers: ClinVar variation 3019666 (VCV003019666.4), dbSNP rs2040516836, ClinGen allele CA410424427.

ClinVar aggregate classification (germline): Uncertain significance. Review status: criteria provided, multiple submitters, no conflicts (2 of 4 stars). 2 submissions from 2 submitters: Uncertain significance (2). Last evaluated 2025-04-01.

Conditions:
Inborn genetic diseases. Identifiers: MedGen C0950123, MeSH D030342.
Polyglandular autoimmune syndrome, type 1 (APS1). Also called: APS I; Autoimmune polyendocrinopathy syndrome, type I; Autoimmune polyendocrine syndrome type 1; HYPOADRENOCORTICISM WITH HYPOPARATHYROIDISM AND SUPERFICIAL MONILIASIS; PGA I; AUTOIMMUNE POLYENDOCRINE SYNDROME, TYPE I, WITH OR WITHOUT REVERSIBLE METAPHYSEAL DYSPLASIA. Identifiers: Orphanet 3453, MedGen C0085859, MONDO:0009411, OMIM 240300.

Allele frequency attached by ClinVar (database versions not stated): gnomAD exomes 0.00001.
gnomAD v4.1: 8 of 1,612,550 alleles (0.0005%); highest among the groups gnomAD compares: Non-Finnish European, 0.00068%; no homozygotes.

Submissions (2):

Ambry Genetics
Classification: Uncertain significance for Inborn genetic diseases. Last evaluated: 2025-04-01. Review status: criteria provided, single submitter. Criteria: Ambry Variant Classification Scheme 2023. Collection method: clinical testing. Allele origin: germline.

Labcorp Genetics (formerly Invitae), Labcorp
Classification: Uncertain significance for Polyglandular autoimmune syndrome, type 1. Last evaluated: 2023-10-14. Review status: criteria provided, single submitter. Criteria: Invitae Variant Classification Sherloc (09022015). Collection method: clinical testing. Allele origin: germline.
Comment: This sequence change replaces aspartic acid, which is acidic and polar, with alanine, which is neutral and non-polar, at codon 238 of the AIRE protein (p.Asp238Ala). This variant is not present in population databases (gnomAD no frequency). This variant has not been reported in the literature in individuals affected with AIRE-related conditions. Advanced modeling of protein sequence and biophysical properties (such as structural, functional, and spatial information, amino acid conservation, physicochemical variation, residue mobility, and thermodynamic stability) has been performed at Invitae for this missense variant, however the output from this modeling did not meet the statistical confidence thresholds required to predict the impact of this variant on AIRE protein function. In summary, the available evidence is currently insufficient to determine the role of this variant in disease. Therefore, it has been classified as a Variant of Uncertain Significance.